The following is an entry in ClinVar:

ClinVar aggregate classification (germline): Pathogenic/Likely pathogenic. Review status: criteria provided, multiple submitters, no conflicts (2 of 4 stars). 2 submissions from 2 submitters: Pathogenic (1); Likely pathogenic (1). Last evaluated 2024-11-25.

Conditions:
Spastic paraplegia. Identifiers: MedGen C0037772, HP:0001258.
Charlevoix-Saguenay spastic ataxia (SACS). Also called: SPASTIC ATAXIA 6, AUTOSOMAL RECESSIVE; AUTOSOMAL RECESSIVE SPASTIC ATAXIA OF CHARLEVOIX-SAGUENAY; Spastic ataxia of Charlevoix-Saguenay. Identifiers: Orphanet 98, MedGen C1849140, MONDO:0010041, OMIM 270550.

Submissions (2):

Natera, Inc.
Classification: Likely pathogenic for Charlevoix-Saguenay type spastic ataxia. Last evaluated: 2024-11-25. Review status: criteria provided, single submitter. Criteria: Natera Variant Classification Schema (03/2026). Collection method: clinical testing. Allele origin: germline.
Comment: The c.44_45del variant in SACS is a frameshift variant predicted to shift the reading frame beginning at codon 15 and leads to a stop codon 45 codons downstream. This variant is expected to result in nonsense mediated decay, truncation, or a dysfunctional protein product. This variant is rare in the general population with a frequency below the threshold expected for the associated phenotype(s). Given the available evidence, this variant is classified as Likely Pathogenic.

Labcorp Genetics (formerly Invitae), Labcorp
Classification: Pathogenic for Spastic paraplegia. Last evaluated: 2023-09-19. Review status: criteria provided, single submitter. Criteria: Invitae Variant Classification Sherloc (09022015). Collection method: clinical testing. Allele origin: germline.
Comment: This variant is not present in population databases (gnomAD no frequency). This sequence change creates a premature translational stop signal (p.Pro15Argfs*45) in the SACS gene. It is expected to result in an absent or disrupted protein product. Loss-of-function variants in SACS are known to be pathogenic (PMID: 18465152, 20876471). For these reasons, this variant has been classified as Pathogenic. This variant has not been reported in the literature in individuals affected with SACS-related conditions.

Literature cited by the submitters: PubMed 18465152 (cited by Labcorp Genetics (formerly Invitae), Labcorp); PubMed 20876471 (cited by Labcorp Genetics (formerly Invitae), Labcorp).

NM_014363.6(SACS):c.44_45del (p.Pro15fs)

Genes: SACS (sacsin molecular chaperone; minus strand), LOC130009366 (ATAC-STARR-seq lymphoblastoid silent region 5172; plus strand). Cytogenetic location: 13q12.12.
Variant type: Deletion.
Coding change: c.44_45del on transcript NM_014363.6 (MANE Select); coding-DNA positions 44 to 45, 2 bases deleted (CC; older notation c.44_45delCC).
Protein change: p.Pro15fs; shifts the reading frame from proline 15.
Molecular consequence: frameshift variant. On other transcripts: 5 prime UTR variant (1).
Genome position (GRCh38, 1-based): chr13:23,375,245-23,375,246, GG deleted on the plus strand (CC on the coding strand, the reverse complement: SACS is on the minus strand); deleting any 2 consecutive bases within chr13:23,375,245-23,375,248 gives the same sequence; the c. name uses the placement nearest the transcript's 3' end. VCF-style (leftmost placement, unchanged base first): chr13-23375244-CGG-C. GRCh37 (hg19) VCF-style: chr13-23949383-CGG-C.
Other names: c.44_45del (NM_014363.5); c.-310_-309del (NM_001278055.2); short protein forms P15fs.
Identifiers: ClinVar variation 2761875 (VCV002761875.4), dbSNP rs2542505067, ClinGen allele CA2697551681.